The following is an entry in ClinVar:

ClinVar aggregate classification (germline): Pathogenic (1 of 4 stars; one submission).

Submission:

Labcorp Genetics (formerly Invitae), Labcorp
Classification: Pathogenic. Last evaluated: 2026-01-06. Review status: criteria provided, single submitter. Criteria: Invitae Variant Classification Sherloc (09022015). Collection method: clinical testing. Allele origin: germline.
Comment: This sequence change is expected to alter the c-terminus of the FOXL2 protein (p.Phe345Valfs*189). While this is not anticipated to result in nonsense mediated decay, it is expected to disrupt the last 32 amino acid(s) of the FOXL2 protein and extend the protein by 156 additional amino acid residues. This variant is not present in population databases (gnomAD no frequency). This frameshift has been observed in individual(s) with clinical features of FOXL2-related conditions (internal data). This variant results in an extension of the FOXL2 protein. Other variant(s) that result in a similarly extended protein product (p.*377Leuext*156, p.Leu376Profs*154) have been observed in individuals with FOXL2-related disease (PMID: 12529855, 18642388). This suggests that these extensions may be clinically significant. For these reasons, this variant has been classified as Pathogenic.

Literature cited by the submitters: PubMed 12529855; PubMed 18642388.

NM_023067.4(FOXL2):c.1032dup (p.Phe345fs)

Gene: FOXL2 (forkhead box L2; minus strand). Cytogenetic location: 3q22.3.
Variant type: Duplication.
Coding change: c.1032dup on transcript NM_023067.4 (MANE Select); coding-DNA position 1032, one base duplicated (G; older notation c.1032dupG).
Protein change: p.Phe345fs; shifts the reading frame from phenylalanine 345.
Molecular consequence: frameshift variant.
Genome position (GRCh38, 1-based): chr3:138,945,691, C duplicated on the plus strand (G on the coding strand, the reverse complement: FOXL2 is on the minus strand). VCF-style (leftmost placement, unchanged base first): chr3-138945690-A-AC. GRCh37 (hg19) VCF-style: chr3-138664532-A-AC.
Other names: short protein forms F345fs.
Identifiers: ClinVar variation 4734834 (VCV004734834.1).